The following is an entry in ClinVar:

NM_001040142.2(SCN2A):c.3043G>C (p.Asp1015His)

Gene: SCN2A (sodium voltage-gated channel alpha subunit 2; plus strand). Cytogenetic location: 2q24.3.
Variant type: single nucleotide variant.
Coding change: c.3043G>C on transcript NM_001040142.2 (MANE Select); coding-DNA position 3043, G replaced by C.
Protein change: p.Asp1015His; replaces aspartic acid 1015 with histidine.
Molecular consequence: missense variant.
Genome position (GRCh38, 1-based): chr2:165,354,315, G>C. VCF-style: chr2-165354315-G-C. GRCh37 (hg19) VCF-style: chr2-166210825-G-C.
Other names: c.3043G>C (NM_021007.2); c.3043G>C, p.Asp1015His (NM_001040143.2, NM_001371246.1, NM_001371247.1 and 1 more transcripts); short protein forms D1015H.
Identifiers: ClinVar variation 2068042 (VCV002068042.5), dbSNP rs747451714, ClinGen allele CA1940050.

ClinVar aggregate classification (germline): Uncertain significance. Review status: criteria provided, multiple submitters, no conflicts (2 of 4 stars). 2 submissions from 2 submitters: Uncertain significance (2). Last evaluated 2025-05-13.

Conditions:
Developmental and epileptic encephalopathy, 11 (DEE11). Also called: Early infantile epileptic encephalopathy 11. Identifiers: Orphanet 1934, MedGen C3150987, MONDO:0013388, OMIM 613721.
Seizures, benign familial infantile, 3 (BFIS3). Also called: CONVULSIONS, BENIGN FAMILIAL INFANTILE, 3; Familial neonatal seizures. Identifiers: Orphanet 140927, Orphanet 306, MedGen C1843140, MONDO:0011904, OMIM 607745.
Inborn genetic diseases. Identifiers: MedGen C0950123, MeSH D030342.

Allele frequency attached by ClinVar (database versions not stated): ExAC 0.00001.

Submissions (2):

Ambry Genetics
Classification: Uncertain significance for Inborn genetic diseases. Last evaluated: 2025-05-13. Review status: criteria provided, single submitter. Criteria: Ambry Variant Classification Scheme 2023. Collection method: clinical testing. Allele origin: germline.

Labcorp Genetics (formerly Invitae), Labcorp
Classification: Uncertain significance for Seizures, benign familial infantile, 3; Developmental and epileptic encephalopathy, 11. Last evaluated: 2022-08-16. Review status: criteria provided, single submitter. Criteria: Invitae Variant Classification Sherloc (09022015). Collection method: clinical testing. Allele origin: germline.
Comment: This variant is present in population databases (rs747451714, gnomAD 0.002%). In summary, the available evidence is currently insufficient to determine the role of this variant in disease. Therefore, it has been classified as a Variant of Uncertain Significance. Algorithms developed to predict the effect of missense changes on protein structure and function are either unavailable or do not agree on the potential impact of this missense change (SIFT: "Deleterious"; PolyPhen-2: "Possibly Damaging"; Align-GVGD: "Class C0"). This variant has not been reported in the literature in individuals affected with SCN2A-related conditions. This sequence change replaces aspartic acid, which is acidic and polar, with histidine, which is basic and polar, at codon 1015 of the SCN2A protein (p.Asp1015His).